The following is an entry in ClinVar:

ClinVar aggregate classification (germline): Likely benign (1 of 4 stars; one submission).

Allele frequency attached by ClinVar (database versions not stated): ExAC 0.00005; gnomAD 0.00007; TOPMed 0.00008.
gnomAD v4.1: 71 of 1,609,770 alleles (0.0044%); highest among the groups gnomAD compares: Middle Eastern, 0.05%; no homozygotes.

Submission:

CeGaT Center for Human Genetics Tuebingen
Classification: Likely benign. Last evaluated: 2023-05-01. Review status: criteria provided, single submitter. Criteria: CeGaT Center For Human Genetics Tuebingen Variant Classification Criteria Version 2. Collection method: clinical testing. Allele origin: germline. Affected: yes. Observed: 1 variant allele.
Comment: ARFGEF1: BP4, BP7

NM_006421.5(ARFGEF1):c.3474G>A (p.Thr1158=)

Gene: ARFGEF1 (ARF guanine nucleotide exchange factor 1; minus strand). Cytogenetic location: 8q13.2.
Variant type: single nucleotide variant.
Coding change: c.3474G>A on transcript NM_006421.5 (MANE Select); coding-DNA position 3474, G replaced by A.
Protein change: p.Thr1158=; no amino-acid change (threonine 1158 retained).
Molecular consequence: synonymous variant. On other transcripts: non-coding transcript variant (1).
Genome position (GRCh38, 1-based): chr8:67,228,080, C>T on the plus strand (G>A on the coding strand, the complement: ARFGEF1 is on the minus strand). VCF-style: chr8-67228080-C-T. GRCh37 (hg19) VCF-style: chr8-68140315-C-T.
Other names: c.3474G>A, p.Thr1158= (NM_001413185.1, NM_001413186.1, NM_001413187.1 and 6 more transcripts); c.2874G>A, p.Thr958= (NM_001413188.1, NM_001413193.1, NM_001413197.1); c.3468G>A, p.Thr1156= (NM_001413190.1); c.2049G>A, p.Thr683= (NM_001413196.1).
Identifiers: ClinVar variation 2658639 (VCV002658639.24), dbSNP rs766327478, ClinGen allele CA4771805.